The following is an entry in ClinVar:

ClinVar aggregate classification (germline): Uncertain significance. Review status: criteria provided, multiple submitters, no conflicts (2 of 4 stars). 2 submissions from 2 submitters: Uncertain significance (2). Last evaluated 2026-05-26.

Conditions:
Familial cancer of breast. Also called: Hereditary breast cancer; BREAST CANCER, FAMILIAL; hereditary breast carcinoma. Identifiers: Orphanet 227535, MedGen C0346153, MONDO:0016419, OMIM 114480. Disease mechanism: loss of function.
Fanconi anemia complementation group J. Also called: BRIP1-Related Fanconi Anemia. Identifiers: Orphanet 84, MedGen C1836860, MONDO:0012187, OMIM 609054.
Hereditary cancer-predisposing syndrome. Also called: Tumor predisposition; Neoplastic Syndromes, Hereditary; Hereditary neoplastic syndrome; Hereditary Cancer Syndrome. Identifiers: Orphanet 140162, MedGen C0027672, MeSH D009386, MONDO:0015356.

Submissions (2):

Ambry Genetics
Classification: Uncertain significance for Hereditary cancer-predisposing syndrome. Last evaluated: 2026-05-26. Review status: criteria provided, single submitter. Criteria: Ambry Variant Classification Scheme 2023. Collection method: clinical testing. Allele origin: germline.
Comment: The p.Y508D variant (also known as c.1522T>G), located in coding exon 10 of the BRIP1 gene, results from a T to G substitution at nucleotide position 1522. The tyrosine at codon 508 is replaced by aspartic acid, an amino acid with highly dissimilar properties. This amino acid position is conserved. In addition, this alteration is predicted to be tolerated by in silico analysis. Based on the available evidence, the clinical significance of this variant remains unclear.

Labcorp Genetics (formerly Invitae), Labcorp
Classification: Uncertain significance for Familial cancer of breast; Fanconi anemia complementation group J. Last evaluated: 2020-01-31. Review status: criteria provided, single submitter. Criteria: Invitae Variant Classification Sherloc (09022015). Collection method: clinical testing. Allele origin: germline.
Comment: This sequence change replaces tyrosine with aspartic acid at codon 508 of the BRIP1 protein (p.Tyr508Asp). The tyrosine residue is weakly conserved and there is a large physicochemical difference between tyrosine and aspartic acid. In summary, the available evidence is currently insufficient to determine the role of this variant in disease. Therefore, it has been classified as a Variant of Uncertain Significance. Algorithms developed to predict the effect of missense changes on protein structure and function (SIFT, PolyPhen-2, Align-GVGD) all suggest that this variant is likely to be tolerated, but these predictions have not been confirmed by published functional studies and their clinical significance is uncertain. This variant has not been reported in the literature in individuals with BRIP1-related conditions. This variant is not present in population databases (ExAC no frequency).

NM_032043.3(BRIP1):c.1522T>G (p.Tyr508Asp)

Gene: BRIP1 (BRCA1 interacting DNA helicase 1; minus strand). Cytogenetic location: 17q23.2.
Variant type: single nucleotide variant.
Coding change: c.1522T>G on transcript NM_032043.3 (MANE Select); coding-DNA position 1522, T replaced by G.
Protein change: p.Tyr508Asp; replaces tyrosine 508 with aspartic acid.
Molecular consequence: missense variant.
Genome position (GRCh38, 1-based): chr17:61,784,376, A>C on the plus strand (T>G on the coding strand, the complement: BRIP1 is on the minus strand). VCF-style: chr17-61784376-A-C. GRCh37 (hg19) VCF-style: chr17-59861737-A-C.
Other names: short protein forms Y508D.
Identifiers: ClinVar variation 834622 (VCV000834622.12), dbSNP rs2077671034, ClinGen allele CA400481318.
Genomic context (GRCh38, chr17:61,784,376, plus strand): 5'-TAAGCATTATTTGAGTTGATGCACTAATAACAGGTACTTCTCTTGCCTCCTCTTTACCAT[A>C]AATTGGTGAGATTTTTTCCTCTTTTTGAAGAACAGCAGAAAAATGTCCCTATAAGAAATT-3'
Protein context (NP_114432.2, residues 498-518): LQKEEKISPI[Tyr508Asp]GKEEAREVPV